The following is an entry in ClinVar:

ClinVar aggregate classification (germline): Conflicting classifications of pathogenicity. Review status: criteria provided, conflicting classifications (1 of 4 stars). 2 submissions from 2 submitters: Pathogenic (1); Uncertain significance (1). Last evaluated 2019-06-17.

Submissions (2):

Women's Health and Genetics/Laboratory Corporation of America, LabCorp
Classification: Uncertain significance. Last evaluated: 2019-06-17. Review status: criteria provided, single submitter. Criteria: LabCorp Variant Classification Summary - May 2015. Collection method: clinical testing. Allele origin: germline.
Comment: Variant summary: MYH7 c.1048T>C (p.Tyr350His) results in a conservative amino acid change located in the Myosin head, motor domain (IPR001609) of the encoded protein sequence. Four of five in-silico tools predict a damaging effect of the variant on protein function. The variant was absent in 251482 control chromosomes (gnomAD). The available data on variant occurrences in the general population are insufficient to allow any conclusion about variant significance. To our knowledge, no occurrence of c.1048T>C in individuals affected with Cardiomyopathy and no experimental evidence demonstrating its impact on protein function have been reported. No clinical diagnostic laboratories have submitted clinical-significance assessments for this variant to ClinVar after 2014. Based on the evidence outlined above, the variant was classified as uncertain significance.

GeneDx
Classification: Pathogenic. Last evaluated: 2013-10-31. Review status: criteria provided, single submitter. Criteria: GeneDx Variant Classification (06012015). Collection method: clinical testing. Allele origin: germline. Affected: yes.
Comment: p.Tyr350His (TAT>CAT): c.1048 T>C in exon 12 of the MYH7 gene (NM_000257.2). While the Tyr350His mutation in the MYH7 gene has not been reported to our knowledge, a mutation affecting this same residue, Tyr350Asn, has been reported as a de novo mutation in association with Ebstein anomaly and biventricular noncompaction (Postma A et al., 2011). Additionally, mutations in nearby residues (Met349Thr, Lys351Glu, Ala355Thr) have been reported in association with cardiomyopathy, further supporting the functional importance of this residue and this region of the protein. Tyr350His results in a semi-conservative amino acid substitution of neutral, polar Tyrosine with a positively charged Histidine at a position that is conserved across species. In silico analysis predicts Tyr350His is damaging to the protein structure/function. Furthermore, Tyr350His was not observed in approximately 6,500 individuals of European and African American ancestry in the NHLBI Exome Sequencing Project, indicating it is not a common benign variant in these populations. In summary, Tyr350His in the MYH7 gene is interpreted as a likely disease-causing mutation. The variant is found in DCM-CRDM panel(s).

NM_000257.4(MYH7):c.1048T>C (p.Tyr350His)

Gene: MYH7 (myosin heavy chain 7; minus strand). Cytogenetic location: 14q11.2.
Variant type: single nucleotide variant.
Coding change: c.1048T>C on transcript NM_000257.4 (MANE Select); coding-DNA position 1048, T replaced by C.
Protein change: p.Tyr350His; replaces tyrosine 350 with histidine.
Molecular consequence: missense variant.
Genome position (GRCh38, 1-based): chr14:23,429,865, A>G on the plus strand (T>C on the coding strand, the complement: MYH7 is on the minus strand). VCF-style: chr14-23429865-A-G. GRCh37 (hg19) VCF-style: chr14-23899074-A-G.
Other names: p.Y350H:TAT>CAT; c.1048T>C (LRG_384t1); short protein forms Y350H.
Identifiers: ClinVar variation 181334 (VCV000181334.3), dbSNP rs730880863, ClinGen allele CA010100.